The following is an entry in ClinVar:

NM_030632.3(ASXL3):c.4899_4902del (p.Glu1632_Tyr1633insTer)

Gene: ASXL3 (ASXL transcriptional regulator 3; plus strand). Cytogenetic location: 18q12.1.
Variant type: Deletion.
Coding change: c.4899_4902del on transcript NM_030632.3 (MANE Select); coding-DNA positions 4899 to 4902, 4 bases deleted (TCTA; older notation c.4899_4902delTCTA).
Protein change: p.Glu1632_Tyr1633insTer.
Molecular consequence: nonsense.
Genome position (GRCh38, 1-based): chr18:33,744,747-33,744,750, TCTA deleted; deleting any 4 consecutive bases within chr18:33,744,745-33,744,750 gives the same sequence; the c. name uses the placement nearest the transcript's 3' end. VCF-style (leftmost placement, unchanged base first): chr18-33744744-ATATC-A. GRCh37 (hg19) VCF-style: chr18-31324708-ATATC-A.
Identifiers: ClinVar variation 817003 (VCV000817003.1), dbSNP rs1599575096, ClinGen allele CA915952510.
Genomic context (GRCh38, chr18:33,744,744, plus strand): 5'-TGGGATGAGGAGCACAGGACAGCCTCTGGTTACTCACTCGGGTTCAAGTAAACAAAAAGA[ATATC>A]TAGAGCAAAGCTGTCCAAAGGCTATCAAAACTGAACATGCCAACTACTTGAACGTGTCAG-3'

ClinVar aggregate classification (germline): Likely pathogenic (1 of 4 stars; one submission).

Submission:

GeneDx
Classification: Likely pathogenic. Last evaluated: 2018-06-29. Review status: criteria provided, single submitter. Criteria: GeneDx Variant Classification (06012015). Collection method: clinical testing. Allele origin: germline. Affected: yes.
Comment: A variant that is likely pathogenic has been identified in the ASXL3 gene. The c.4899_4902delTCTA variant has not been published as a pathogenic variant, nor has it been reported as a benign variant to our knowledge. The c.4899_4902delTCTA variant causes a frameshift starting with codon Tyrosine 1633, and changes this amino acid to a Stop codon residue, denoted p.Tyr1633Ter. This nonsense variant is predicted to result in protein truncation, as the last 616 amino acids are lost. The c.4899_4902delTCTA variant is not observed in large population cohorts (Lek et al., 2016). Therefore, this variant is likely pathogenic; however, the possibility that it is benign cannot be excluded.